The following is an entry in ClinVar:

NM_016628.5(WAC):c.381+1G>T

Gene: WAC (WW domain containing adaptor with coiled-coil; plus strand). Cytogenetic location: 10p12.1.
Variant type: single nucleotide variant.
Coding change: c.381+1G>T on transcript NM_016628.5 (MANE Select); the canonical splice donor site of the intron after coding-DNA position 381, G replaced by T.
Molecular consequence: splice donor variant.
Genome position (GRCh38, 1-based): chr10:28,583,506, G>T. VCF-style: chr10-28583506-G-T. GRCh37 (hg19) VCF-style: chr10-28872435-G-T.
Other names: c.246+1G>T (NM_100264.3); c.381+1G>T (NM_100486.4).
Identifiers: ClinVar variation 4072037 (VCV004072037.6).
Genomic context (GRCh38, chr10:28,583,506, plus strand): 5'-CATAGTTCAAATTCACATTCTTCTAATCCAAGCAATAACCCAAGCAAAACTTCAGATGCA[G>T]TAAGTATTATAAACATGTCCAATATGGTTTCTTTGGAATTTTTTGCAAAAAAAAAAAAAA-3'

ClinVar aggregate classification (germline): Likely pathogenic. Review status: criteria provided, multiple submitters, no conflicts (2 of 4 stars). 2 submissions from 2 submitters: Likely pathogenic (2). Last evaluated 2025-11-10.

Conditions:
DeSanto-Shinawi syndrome due to WAC point mutation (DESSH). Also called: DEVELOPMENTAL DELAY, BEHAVIORAL ABNORMALITIES, FACIAL DYSMORPHISM, AND OCULAR ABNORMALITIES; WAC-Related Intellectual Disability; Facial dysmorphism-developmental delay-behavioral abnormalities syndrome due to WAC point mutation. Identifiers: Orphanet 284169, Orphanet 466950, MedGen C5681129, MONDO:0014741, OMIM 616708.

Submissions (2):

Labcorp Genetics (formerly Invitae), Labcorp
Classification: Likely pathogenic. Last evaluated: 2025-11-10. Review status: criteria provided, single submitter. Criteria: Invitae Variant Classification Sherloc (09022015). Collection method: clinical testing. Allele origin: germline.
Comment: This sequence change affects a donor splice site in intron 4 of the WAC gene. It is expected to disrupt RNA splicing. Variants that disrupt the donor or acceptor splice site typically lead to a loss of protein function (PMID: 16199547), and loss-of-function variants in WAC are known to be pathogenic (PMID: 26264232, 26757981). This variant is not present in population databases (gnomAD no frequency). This variant has not been reported in the literature in individuals affected with WAC-related conditions. ClinVar contains an entry for this variant (Variation ID: 4072037). Algorithms developed to predict the effect of sequence changes on RNA splicing suggest that this variant may disrupt the consensus splice site. In summary, the currently available evidence indicates that the variant is pathogenic, but additional data are needed to prove that conclusively. Therefore, this variant has been classified as Likely Pathogenic.

Institute of Human Genetics Munich, TUM University Hospital
Classification: Likely pathogenic for DeSanto-Shinawi syndrome due to WAC point mutation. Last evaluated: 2024-03-07. Review status: criteria provided, single submitter. Criteria: Classification criteria August 2017. Collection method: clinical testing. Allele origin: germline. Inheritance: Autosomal dominant inheritance. Affected: yes. Observed: 1 variant allele.

Literature cited by the submitters: PubMed 16199547 (cited by Labcorp Genetics (formerly Invitae), Labcorp); PubMed 26264232 (cited by Labcorp Genetics (formerly Invitae), Labcorp); PubMed 26757981 (cited by Labcorp Genetics (formerly Invitae), Labcorp).